The following is an entry in ClinVar:

ClinVar aggregate classification (germline): Pathogenic. Review status: reviewed by expert panel (3 of 4 stars). 3 submissions from 3 submitters: Pathogenic (1). 2 of the submissions do not count toward it. Last evaluated 2020-10-20.

Conditions:
Glanzmann thrombasthenia 1 (GT1). Also called: BLEEDING DISORDER, PLATELET-TYPE, 2; GP IIb-IIIa COMPLEX DEFICIENCY; GLYCOPROTEIN COMPLEX IIb-IIIa DEFICIENCY; PLATELET FIBRINOGEN RECEPTOR DEFICIENCY. Identifiers: MedGen CN300358, MONDO:0031332, OMIM 273800.
Glanzmann thrombasthenia. Also called: THROMBASTHENIA OF GLANZMANN AND NAEGELI; Glanzmann's thrombasthenia; Thrombasthenia; PLATELET GLYCOPROTEIN IIb-IIIa DEFICIENCY. Identifiers: Orphanet 849, MedGen C0040015, MONDO:0100326.

Submissions (3):

ClinGen Platelet Disorders Variant Curation Expert Panel, ClinGen
Classification: Pathogenic for Glanzmann thrombasthenia. Last evaluated: 2020-10-20. Review status: reviewed by expert panel. Criteria: ClinGen Platelet ACMG Specifications v2. Collection method: curation. Allele origin: germline. Inheritance: Autosomal recessive inheritance.
Comment: The ITGA2B frameshift variant NM_000419.5:c.2748_2757del (p.Thr917SerfsTer?) leads to a frameshift and alteration of the coding sequence of the transmembrane domain, a region of the protein critical for ITGA2B function. This variant has been observed in homozygosity in two individuals, at least one of which was reported to have a phenotype specific for Glanzmann's Thrombasthenia (GT). This variant is rare in population databases. In summary, this variant meets criteria to be classified as pathogenic for GT. GT-specific criteria applied: PVS1_strong, PM3, PP4_strong, PM2_supporting.

GeneDx
Classification: Likely pathogenic. Last evaluated: 2025-06-16. Review status: criteria provided, single submitter. Criteria: GeneDx Variant Classification Process June 2021. Collection method: clinical testing. Allele origin: germline. Affected: yes. Not counted in ClinVar's aggregate classification.
Comment: Frameshift variant predicted to result in abnormal protein length as the last 123 amino acids are replaced with an unknown number of different amino acids as the new stop codon cannot be predicted, and other similar variants have been reported in HGMD; Not observed at significant frequency in large population cohorts (gnomAD); This variant is associated with the following publications: (PMID: 20020534)

ISTH-SSC Genomics in Thrombosis and Hemostasis, KU Leuven, Center for Molecular and Vascular Biology
Classification: Pathogenic for Glanzmann thrombasthenia 1. Review status: criteria provided, single submitter. Criteria: ACMG Guidelines, 2015. Collection method: clinical testing. Allele origin: germline. Affected: yes. Observed: 1 homozygote. Not counted in ClinVar's aggregate classification.
Comment: Submitted to GoldVariant by Jose María Bastida and José Rivera; Grupo Español de Alteraciones Plaquetarias Congénitas (GEAPC)

Literature cited by the submitters: PubMed 20020534 (cited by ClinGen Platelet Disorders Variant Curation Expert Panel, ClinGen).

NM_000419.5(ITGA2B):c.2748_2757del (p.Thr917fs)

Gene: ITGA2B (integrin subunit alpha 2b; minus strand). Cytogenetic location: 17q21.31.
Variant type: Deletion.
Coding change: c.2748_2757del on transcript NM_000419.5 (MANE Select); coding-DNA positions 2748 to 2757, 10 bases deleted (TACTGTGGTG; older notation c.2748_2757delTACTGTGGTG).
Protein change: p.Thr917fs; shifts the reading frame from threonine 917.
Molecular consequence: frameshift variant.
Genome position (GRCh38, 1-based): chr17:44,375,082-44,375,091, CACCACAGTA deleted on the plus strand (TACTGTGGTG on the coding strand, the reverse complement: ITGA2B is on the minus strand); deleting any 10 consecutive bases within chr17:44,375,082-44,375,093 gives the same sequence; the c. name uses the placement nearest the transcript's 3' end. VCF-style (leftmost placement, unchanged base first): chr17-44375081-GCACCACAGTA-G. GRCh37 (hg19) VCF-style: chr17-42452449-GCACCACAGTA-G.
Other names: c.2748_2757del (NM_000419.3); c.2748_2757delTACTGTGGTG (NM_000419.5); short protein forms T917fs.
Identifiers: ClinVar variation 996173 (VCV000996173.5), dbSNP rs76572092, ClinGen allele CA290946532.